The following is an entry in ClinVar:

ClinVar aggregate classification (germline): Uncertain significance. Review status: criteria provided, multiple submitters, no conflicts (2 of 4 stars). 2 submissions from 2 submitters: Uncertain significance (2). Last evaluated 2026-02-16.

Conditions:
Cardiovascular phenotype. Identifiers: MedGen CN230736.

gnomAD v4.1: 2 of 1,612,914 alleles (0.00012%); no homozygotes.

Submissions (2):

Women's Health and Genetics/Laboratory Corporation of America, LabCorp
Classification: Uncertain significance. Last evaluated: 2026-02-16. Review status: criteria provided, single submitter. Criteria: LabCorp Variant Classification Summary - May 2015. Collection method: clinical testing. Allele origin: germline.
Comment: Variant summary: TNXB c.1787A>G (p.Gln596Arg) results in a conservative amino acid change in the encoded protein sequence. Algorithms developed to predict the effect of missense changes on protein structure and function all suggest that this variant is likely to be tolerated. The variant was absent in 240860 control chromosomes. The available data on variant occurrences in the general population are insufficient to allow any conclusion about variant significance. To our knowledge, no occurrence of c.1787A>G in individuals affected with TNXB-related conditions and no experimental evidence demonstrating its impact on protein function have been reported. ClinVar contains an entry for this variant (Variation ID: 1780108). Based on the evidence outlined above, the variant was classified as uncertain significance.

Ambry Genetics
Classification: Uncertain significance for Cardiovascular phenotype. Last evaluated: 2025-08-10. Review status: criteria provided, single submitter. Criteria: Ambry Variant Classification Scheme 2023. Collection method: clinical testing. Allele origin: germline.

NM_001365276.2(TNXB):c.1787A>G (p.Gln596Arg)

Gene: TNXB (tenascin XB; minus strand). Cytogenetic location: 6p21.33.
Variant type: single nucleotide variant.
Coding change: c.1787A>G on transcript NM_001365276.2 (MANE Select); coding-DNA position 1787, A replaced by G.
Protein change: p.Gln596Arg; replaces glutamine 596 with arginine.
Molecular consequence: missense variant.
Genome position (GRCh38, 1-based): chr6:32,096,066, T>C on the plus strand (A>G on the coding strand, the complement: TNXB is on the minus strand). VCF-style: chr6-32096066-T-C. GRCh37 (hg19) VCF-style: chr6-32063843-T-C.
Other names: c.1787A>G, p.Gln596Arg (NM_019105.8); short protein forms Q596R.
Identifiers: ClinVar variation 1780108 (VCV001780108.4), dbSNP rs2483753616, ClinGen allele CA363477450.
Genomic context (GRCh38, chr6:32,096,066, plus strand): 5'-CAGTCCTCACTCACGTAGCCTTCCCAACAGATGCACACACCGTCCTGGCACACGCCGTGC[T>C]GGCTGCAGTCATTCGGGCACTGCCTCACACCGCAATCCTCGCCAGAGTAGCCGTCCTCGC-3'
Protein context (NP_001352205.1, residues 586-606): GVRQCPNDCS[Gln596Arg]HGVCQDGVCI